The following is an entry in ClinVar:

ClinVar aggregate classification (germline): Uncertain significance (1 of 4 stars; one submission).

Conditions:
Inborn genetic diseases. Identifiers: MedGen C0950123, MeSH D030342.

Submission:

Ambry Genetics
Classification: Uncertain significance for Inborn genetic diseases. Last evaluated: 2025-12-29. Review status: criteria provided, single submitter. Criteria: Ambry Variant Classification Scheme 2023. Collection method: clinical testing. Allele origin: germline.
Comment: The p.S538Y variant (also known as c.1613C>A), located in coding exon 7 of the MBD4 gene, results from a C to A substitution at nucleotide position 1613. The serine at codon 538 is replaced by tyrosine, an amino acid with dissimilar properties. This amino acid position is conserved. In addition, this alteration is predicted to be deleterious by in silico analysis. Based on the available evidence, the clinical significance of this variant remains unclear.

NM_001276270.2(MBD4):c.1613C>A (p.Ser538Tyr)

Gene: MBD4 (methyl-CpG binding domain 4, DNA glycosylase; minus strand). Cytogenetic location: 3q21.3.
Variant type: single nucleotide variant.
Coding change: c.1613C>A on transcript NM_001276270.2 (MANE Select); coding-DNA position 1613, C replaced by A.
Protein change: p.Ser538Tyr; replaces serine 538 with tyrosine.
Molecular consequence: missense variant. On other transcripts: intron variant (1).
Genome position (GRCh38, 1-based): chr3:129,432,537, G>T on the plus strand (C>A on the coding strand, the complement: MBD4 is on the minus strand). VCF-style: chr3-129432537-G-T. GRCh37 (hg19) VCF-style: chr3-129151380-G-T.
Other names: c.1631C>A, p.Ser544Tyr (NM_001276271.2, NM_003925.3); c.677C>A, p.Ser226Tyr (NM_001276273.2); c.1612+19C>A (NM_001276272.2); short protein forms S226Y, S538Y, S544Y.
Identifiers: ClinVar variation 4844105 (VCV004844105.1).
Genomic context (GRCh38, chr3:129,432,537, plus strand): 5'-GAATTATGGATGGGAGTGAGCCTCACCTGCTTCCACTCATTGACACAAAAAATTCGGTAA[G>T]AGTCGTTGCCATATTTACCAATCCCATGAAGCTCAATTGGATACTTCCACTGCTTTGTCA-3'
Protein context (NP_001263199.1, residues 528-548): LHGIGKYGND[Ser538Tyr]YRIFCVNEWK